The following is an entry in ClinVar:

ClinVar aggregate classification (germline): Pathogenic (1 of 4 stars; one submission).

Conditions:
Developmental and epileptic encephalopathy, 1 (DEE1). Also called: Epileptic encephalopathy, early infantile, 1; X-linked infantile spasms; West's syndrome; Tonic spasms with clustering, arrest of psychomotor development and hypsarrhythmia on EEG; X-Linked Infantile Spasm Syndrome; OHTAHARA SYNDROME, X-LINKED. Identifiers: MedGen C3463992, MONDO:0010632, OMIM 308350. Disease mechanism: loss of function.
Autosomal recessive spinocerebellar ataxia 12. Also called: SPINOCEREBELLAR ATAXIA WITH MENTAL RETARDATION AND EPILEPSY. Identifiers: Orphanet 284282, MedGen C3280452, MONDO:0013687, OMIM 614322.

Submission:

Labcorp Genetics (formerly Invitae), Labcorp
Classification: Pathogenic for Developmental and epileptic encephalopathy, 1; Autosomal recessive spinocerebellar ataxia 12. Last evaluated: 2022-07-26. Review status: criteria provided, single submitter. Criteria: Invitae Variant Classification Sherloc (09022015). Collection method: clinical testing. Allele origin: germline.
Comment: This variant is a gross deletion of the genomic region encompassing exon(s) 9 of the WWOX gene, which includes the termination codon. This deletion extends beyond the assayed region for this gene and therefore may encompass additional genes. While this deletion is not anticipated to lead to nonsense mediated decay, it is expected to alter mRNA translation or result in a truncated protein product. A similar copy number variant has been observed in individual(s) with early infantile epileptic encephalopathy (Invitae). In at least one individual the data is consistent with being in trans (on the opposite chromosome) from a pathogenic variant. Experimental studies and prediction algorithms are not available or were not evaluated, and the functional significance of this variant is currently unknown. This variant disrupts the C-terminus of the WWOX protein. Other variant(s) that disrupt this region (p.Gly372*, p.Q354*) have been observed in individuals with WWOX-related conditions (PMID: 29390993; Invitae). This suggests that this may be a clinically significant region of the protein. For these reasons, this variant has been classified as Pathogenic.

Literature cited by the submitters: PubMed 29390993.

NC_000016.10:g.(?_79211588)_(79211816_?)del

Genes: MAF (MAF bZIP transcription factor; minus strand), WWOX (WW domain containing oxidoreductase; plus strand). Cytogenetic location: 16q23.2.
Variant type: Deletion.
Identifiers: ClinVar variation 657908 (VCV000657908.10).